The following is an entry in ClinVar:

ClinVar aggregate classification (germline): Uncertain significance (1 of 4 stars; one submission).

Conditions:
Methylcobalamin deficiency type cblE (HMAE). Also called: HOMOCYSTINURIA-MEGALOBLASTIC ANEMIA, cblE COMPLEMENTATION TYPE; HOMOCYSTINURIA-MEGALOBLASTIC ANEMIA, cblE TYPE; VITAMIN B12-RESPONSIVE HOMOCYSTINURIA, cblE TYPE. Identifiers: Orphanet 2169, Orphanet 622, MedGen C1856057, MONDO:0009354, OMIM 236270.

gnomAD v4.1: 1 of 1,614,022 alleles (0.000062%); highest among the groups gnomAD compares: Non-Finnish European, 0.000085%; no homozygotes.

Submission:

Labcorp Genetics (formerly Invitae), Labcorp
Classification: Uncertain significance for Methylcobalamin deficiency type cblE. Last evaluated: 2024-04-10. Review status: criteria provided, single submitter. Criteria: Invitae Variant Classification Sherloc (09022015). Collection method: clinical testing. Allele origin: germline.
Comment: This sequence change replaces aspartic acid, which is acidic and polar, with asparagine, which is neutral and polar, at codon 197 of the MTRR protein (p.Asp197Asn). This variant is present in population databases (rs748186027, gnomAD 0.0009%). This variant has not been reported in the literature in individuals affected with MTRR-related conditions. ClinVar contains an entry for this variant (Variation ID: 1436051). Algorithms developed to predict the effect of missense changes on protein structure and function output the following: SIFT: "Not Available"; PolyPhen-2: "Benign"; Align-GVGD: "Not Available". The asparagine amino acid residue is found in multiple mammalian species, which suggests that this missense change does not adversely affect protein function. In summary, the available evidence is currently insufficient to determine the role of this variant in disease. Therefore, it has been classified as a Variant of Uncertain Significance.

NM_002454.3(MTRR):c.589G>A (p.Asp197Asn)

Gene: MTRR (5-methyltetrahydrofolate-homocysteine methyltransferase reductase; plus strand). Cytogenetic location: 5p15.31.
Variant type: single nucleotide variant.
Coding change: c.589G>A on transcript NM_002454.3 (MANE Select); coding-DNA position 589, G replaced by A.
Protein change: p.Asp197Asn; replaces aspartic acid 197 with asparagine.
Molecular consequence: missense variant. On other transcripts: non-coding transcript variant (14).
Genome position (GRCh38, 1-based): chr5:7,878,131, G>A. VCF-style: chr5-7878131-G-A. GRCh37 (hg19) VCF-style: chr5-7878244-G-A.
Other names: c.589G>A, p.Asp197Asn (NM_001364440.2, NM_001364441.2, NM_001364442.2 and 1 more transcripts); short protein forms D197N.
Identifiers: ClinVar variation 1436051 (VCV001436051.4), dbSNP rs748186027, ClinGen allele CA3195643.
Genomic context (GRCh38, chr5:7,878,131, plus strand): 5'-ACAGACCTTGTGAAGTCAGAGCTGCTACACATTGAATCTCAAGTCGAGCTTCTGAGATTC[G>A]ATGATTCAGGAAGAAAGGATTCTGAGGTTTTGAAGCAAAATGCAGTGAACAGCAACCAAT-3'
Protein context (NP_002445.2, residues 187-207): IESQVELLRF[Asp197Asn]DSGRKDSEVL